The following is an entry in ClinVar:

ClinVar aggregate classification (germline): Likely pathogenic (1 of 4 stars; one submission).

Conditions:
Familial dysautonomia. Also called: HSAN III; FD. Identifiers: Orphanet 1764, MedGen C0013364, MONDO:0009131, OMIM 223900. Disease mechanism: loss of function.

Submission:

Natera, Inc.
Classification: Likely pathogenic for Familial dysautonomia. Last evaluated: 2024-10-06. Review status: criteria provided, single submitter. Criteria: Natera Variant Classification Schema (03/2026). Collection method: clinical testing. Allele origin: germline.
Comment: The c.3336del variant in ELP1 is a frameshift variant predicted to shift the reading frame beginning at codon 1113 and leads to a stop codon 2 codons downstream. This variant is expected to result in nonsense mediated decay, truncation, or a dysfunctional protein product. This variant is rare in the general population with a frequency below the threshold expected for the associated phenotype(s). Given the available evidence, this variant is classified as Likely Pathogenic.

NM_003640.5(ELP1):c.3336del (p.Ile1113fs)

Gene: ELP1 (elongator acetyltransferase complex subunit 1; minus strand). Cytogenetic location: 9q31.3.
Variant type: Deletion.
Coding change: c.3336del on transcript NM_003640.5 (MANE Select); coding-DNA position 3336, one base deleted (C; older notation c.3336delC).
Protein change: p.Ile1113fs; shifts the reading frame from isoleucine 1113.
Molecular consequence: frameshift variant.
Genome position (GRCh38, 1-based): chr9:108,881,715, G deleted on the plus strand (C on the coding strand, the reverse complement: ELP1 is on the minus strand); the first of 2 consecutive G bases (chr9:108,881,715-108,881,716); deleting either gives the same sequence. VCF-style (leftmost placement, unchanged base first): chr9-108881714-TG-T. GRCh37 (hg19) VCF-style: chr9-111643994-TG-T.
Other names: c.2994del, p.Ile999fs (NM_001318360.2); c.2289del, p.Ile764fs (NM_001330749.2); short protein forms I1113fs, I764fs, I999fs.
Identifiers: ClinVar variation 4815225 (VCV004815225.1).